The following is an entry in ClinVar:

ClinVar aggregate classification (germline): Conflicting classifications of pathogenicity. Review status: criteria provided, conflicting classifications (1 of 4 stars). 5 submissions from 5 submitters: Likely pathogenic (1); Uncertain significance (1). 3 of the submissions do not count toward it. Last evaluated 2023-03-26.

Conditions:
Hereditary von Willebrand disease. Identifiers: Orphanet 903, MedGen C5703318, MONDO:0019565. Inheritance: Autosomal recessive or Autosomal dominant.
von Willebrand disease type 2 (VWD2). Also called: VON WILLEBRAND DISEASE, TYPE 2A/IIE; VON WILLEBRAND DISEASE, TYPE 2CB; VWD, TYPE 2; VON WILLEBRAND DISEASE, TYPE II. Identifiers: Orphanet 166081, Orphanet 903, MedGen C1264040, MONDO:0013304, OMIM 613554.

Allele frequency attached by ClinVar (database versions not stated): TOPMed 0.00003; gnomAD 0.00004; ExAC 0.00001; gnomAD exomes 0.00003.
gnomAD v4.1: 57 of 1,613,826 alleles (0.0035%); highest among the groups gnomAD compares: Middle Eastern, 0.017%; no homozygotes.

Submissions (5):

Women's Health and Genetics/Laboratory Corporation of America, LabCorp
Classification: Uncertain significance. Last evaluated: 2023-03-26. Review status: criteria provided, single submitter. Criteria: LabCorp Variant Classification Summary - May 2015. Collection method: clinical testing. Allele origin: germline.
Comment: Variant summary: VWF c.4115T>G (p.Ile1372Ser) results in a non-conservative amino acid change located in the von Willebrand factor, type A domain (IPR002035) of the encoded protein sequence. Three of five in-silico tools predict a benign effect of the variant on protein function. The variant allele was found at a frequency of 3.2e-05 in 251024 control chromosomes. The available data on variant occurrences in the general population are insufficient to allow any conclusion about variant significance. c.4115T>G has been reported in the literature as a likely pathogenic variant with a full contribution to the patient phenotype in settings of multigene panel analysis in cohorts of individuals with bleeding, thrombotic, and platelet disorders (example, Downes_2019) and also as associated with a difficult diagnosis and an elusive phenotype in type 2B like von Willebrand disease (example, Casonato_2017, Stufano_2015). These data do not allow any conclusion about variant significance. To our knowledge, no conclusive experimental evidence demonstrating an impact on protein function has been reported. Two clinical diagnostic laboratories have submitted clinical-significance assessments for this variant to ClinVar after 2014 without evidence for independent evaluation. All laboratories classified the variant as pathogenic/likely pathogenic. Based on the evidence outlined above, the variant was classified as uncertain significance.

NIHR Bioresource Rare Diseases, University of Cambridge
Classification: Likely pathogenic for von Willebrand disorder. Last evaluated: 2019-02-01. Review status: criteria provided, single submitter. Criteria: ACMG Guidelines, 2015. Collection method: research. Allele origin: unknown. Affected: yes. Observed: 1 heterozygote. Study: ThromboGenomics.

Angelo Bianchi Bonomi Hemophilia and Thrombosis Center, Fondazione IRCCS Ca Granda Ospedale Maggiore Policlinico
Classification: Pathogenic for von Willebrand disease type 2. Last evaluated: 2022-04-26. Review status: no assertion criteria provided. Collection method: clinical testing. Allele origin: germline. Affected: yes. Not counted in ClinVar's aggregate classification.

Clinical Molecular Genetics Laboratory, Johns Hopkins All Children's Hospital
Classification: Pathogenic for von Willebrand disorder. Last evaluated: 2012-05-29. Review status: no assertion criteria provided. Collection method: clinical testing. Allele origin: germline. Affected: yes. Not counted in ClinVar's aggregate classification.

Academic Unit of Haematology, University of Sheffield
No classification provided. Review status: no classification provided. Collection method: not provided. Allele origin: not provided. Not counted in ClinVar's aggregate classification.

Literature cited by the submitters: PubMed 31064749 (cited by Women's Health and Genetics/Laboratory Corporation of America, LabCorp and NIHR Bioresource Rare Diseases, University of Cambridge); PubMed 26986123 (cited by Women's Health and Genetics/Laboratory Corporation of America, LabCorp); PubMed 28640903 (cited by Women's Health and Genetics/Laboratory Corporation of America, LabCorp); PubMed 33570651 (cited by Women's Health and Genetics/Laboratory Corporation of America, LabCorp); PubMed 27889474 (cited by Women's Health and Genetics/Laboratory Corporation of America, LabCorp); PubMed 26206100 (cited by Women's Health and Genetics/Laboratory Corporation of America, LabCorp); PubMed 25185554 (cited by Women's Health and Genetics/Laboratory Corporation of America, LabCorp).

NM_000552.5(VWF):c.4115T>G (p.Ile1372Ser)

Gene: VWF (von Willebrand factor; minus strand). Cytogenetic location: 12p13.31.
Variant type: single nucleotide variant.
Coding change: c.4115T>G on transcript NM_000552.5 (MANE Select); coding-DNA position 4115, T replaced by G.
Protein change: p.Ile1372Ser; replaces isoleucine 1372 with serine.
Molecular consequence: missense variant.
Genome position (GRCh38, 1-based): chr12:6,019,303, A>C on the plus strand (T>G on the coding strand, the complement: VWF is on the minus strand). VCF-style: chr12-6019303-A-C. GRCh37 (hg19) VCF-style: chr12-6128469-A-C.
Other names: short protein forms I1372S.
Identifiers: ClinVar variation 100327 (VCV000100327.5), dbSNP rs61750070, ClinGen allele CA228535.